The following is an entry in ClinVar:

NM_024529.5(CDC73):c.841C>T (p.Arg281Cys)

Gene: CDC73 (cell division cycle 73; plus strand). Cytogenetic location: 1q31.2.
Variant type: single nucleotide variant.
Coding change: c.841C>T on transcript NM_024529.5 (MANE Select); coding-DNA position 841, C replaced by T.
Protein change: p.Arg281Cys; replaces arginine 281 with cysteine.
Molecular consequence: missense variant.
Genome position (GRCh38, 1-based): chr1:193,150,316, C>T. VCF-style: chr1-193150316-C-T. GRCh37 (hg19) VCF-style: chr1-193119446-C-T.
Other names: short protein forms R281C.
Identifiers: ClinVar variation 1000153 (VCV001000153.9), dbSNP rs754070093, ClinGen allele CA1303483.
Genomic context (GRCh38, chr1:193,150,316, plus strand): 5'-TGACATTTAAAAATATTAACAAGTAACTCATAATTAATTTTTTTACAGGATCCCACTTTG[C>T]GCACCAAACAGCCTATCCCAGCTGCCTATAACAGATACGATCAGGAAAGATTCAAAGGAA-3'
Protein context (NP_078805.3, residues 271-291): PNAAPVDPTL[Arg281Cys]TKQPIPAAYN

ClinVar aggregate classification (germline): Conflicting classifications of pathogenicity. Review status: criteria provided, conflicting classifications (1 of 4 stars). 3 submissions from 3 submitters: Uncertain significance (2); Likely benign (1). Last evaluated 2025-11-25.

Conditions:
Hereditary cancer-predisposing syndrome. Also called: Neoplastic Syndromes, Hereditary; Tumor predisposition; Hereditary Cancer Syndrome; Hereditary neoplastic syndrome. Identifiers: Orphanet 140162, MedGen C0027672, MeSH D009386, MONDO:0015356.
Parathyroid carcinoma (PRTC). Also called: CDC73-Related Parathyroid Carcinoma; Parathyroid gland carcinoma. Identifiers: Orphanet 143, MedGen C0687150, MONDO:0012004, OMIM 608266, HP:0006780.

Allele frequency attached by ClinVar (database versions not stated): ExAC 0.00001; gnomAD 0.00001; gnomAD exomes 0.00001; TOPMed 0.00001.
gnomAD v4.1: 10 of 1,609,004 alleles (0.00062%); highest among the groups gnomAD compares: Middle Eastern, 0.016%; no homozygotes.

Submissions (3):

Labcorp Genetics (formerly Invitae), Labcorp
Classification: Uncertain significance for Parathyroid carcinoma. Last evaluated: 2025-11-25. Review status: criteria provided, single submitter. Criteria: Invitae Variant Classification Sherloc (09022015). Collection method: clinical testing. Allele origin: germline.
Comment: This sequence change replaces arginine, which is basic and polar, with cysteine, which is neutral and slightly polar, at codon 281 of the CDC73 protein (p.Arg281Cys). The frequency data for this variant in the population databases is considered unreliable, as metrics indicate poor data quality at this position in the gnomAD database. This variant has not been reported in the literature in individuals affected with CDC73-related conditions. ClinVar contains an entry for this variant (Variation ID: 1000153). Invitae Evidence Modeling of protein sequence and biophysical properties (such as structural, functional, and spatial information, amino acid conservation, physicochemical variation, residue mobility, and thermodynamic stability) indicates that this missense variant is not expected to disrupt CDC73 protein function with a negative predictive value of 80%. In summary, the available evidence is currently insufficient to determine the role of this variant in disease. Therefore, it has been classified as a Variant of Uncertain Significance.

Ambry Genetics
Classification: Likely benign for Hereditary cancer-predisposing syndrome. Last evaluated: 2022-09-16. Review status: criteria provided, single submitter. Criteria: Ambry Variant Classification Scheme 2023. Collection method: clinical testing. Allele origin: germline.

Women's Health and Genetics/Laboratory Corporation of America, LabCorp
Classification: Uncertain significance. Last evaluated: 2022-04-15. Review status: criteria provided, single submitter. Criteria: LabCorp Variant Classification Summary - May 2015. Collection method: clinical testing. Allele origin: germline.
Comment: Variant summary: CDC73 c.841C>T (p.Arg281Cys) results in a non-conservative amino acid change located in the Paf1 complex subunit Cdc73, N-terminal domain of the encoded protein sequence. Four of five in-silico tools predict a damaging effect of the variant on protein function. The variant allele was found at a frequency of 1.2e-05 in 251468 control chromosomes. The available data on variant occurrences in the general population are insufficient to allow any conclusion about variant significance. To our knowledge, no occurrence of c.841C>T in individuals affected with Hyperparathyroidism-Jaw Tumor Syndrome and no experimental evidence demonstrating its impact on protein function have been reported. One clinical diagnostic laboratory has submitted clinical-significance assessments for this variant to ClinVar after 2014 without evidence for independent evaluation and classified the variant as uncertain significance. Based on the evidence outlined above, the variant was classified as uncertain significance.